The following is an entry in ClinVar:

ClinVar aggregate classification (germline): Uncertain significance (1 of 4 stars; one submission).

Allele frequency attached by ClinVar (database versions not stated): TOPMed 0.00001; ExAC 0.00007; gnomAD 0.00010; 1000 Genomes Project 30x 0.00109; 1000 Genomes Project 0.00140.
gnomAD v4.1: 295 of 1,598,098 alleles (0.018%); highest among the groups gnomAD compares: East Asian, 0.64%; 4 homozygotes.

Submission:

Ambry Genetics
Classification: Uncertain significance. Last evaluated: 2022-12-07. Review status: criteria provided, single submitter. Criteria: Ambry Variant Classification Scheme 2023. Collection method: clinical testing. Allele origin: germline.
Comment: The p.V2554I variant (also known as c.7660G>A) is located in coding exon 30 of the POLQ gene. The valine at codon 2554 is replaced by isoleucine, an amino acid with highly similar properties. This change occurs in the first base pair of coding exon 30. This amino acid position is conserved. In addition, the in silico prediction for this alteration is inconclusive. Since supporting evidence is limited at this time, the clinical significance of this alteration remains unclear.

NM_199420.4(POLQ):c.7660G>A (p.Val2554Ile)

Gene: POLQ (DNA polymerase theta; minus strand). Cytogenetic location: 3q13.33.
Variant type: single nucleotide variant.
Coding change: c.7660G>A on transcript NM_199420.4 (MANE Select); coding-DNA position 7660, G replaced by A.
Protein change: p.Val2554Ile; replaces valine 2554 with isoleucine.
Molecular consequence: missense variant.
Genome position (GRCh38, 1-based): chr3:121,432,417, C>T on the plus strand (G>A on the coding strand, the complement: POLQ is on the minus strand). VCF-style: chr3-121432417-C-T. GRCh37 (hg19) VCF-style: chr3-121151264-C-T.
Other names: short protein forms V2554I.
Identifiers: ClinVar variation 2448634 (VCV002448634.2), dbSNP rs3772119, ClinGen allele CA2562091.